The following is an entry in ClinVar:

NM_007294.4(BRCA1):c.4358-13A>G

Gene: BRCA1 (BRCA1 DNA repair associated; minus strand). Cytogenetic location: 17q21.31.
Variant type: single nucleotide variant.
Coding change: c.4358-13A>G on transcript NM_007294.4 (MANE Select); 13 bases into the intron before coding-DNA position 4358, A replaced by G.
Molecular consequence: intron variant.
Genome position (GRCh38, 1-based): chr17:43,076,627, T>C on the plus strand (A>G on the coding strand, the complement: BRCA1 is on the minus strand). VCF-style: chr17-43076627-T-C. GRCh37 (hg19) VCF-style: chr17-41228644-T-C.
Other names: c.4358-13A>G (NM_001407605.1, NM_001407684.1, NM_001407594.1 and 8 more transcripts); c.4148-16A>G (NM_001407902.1, NM_001407906.1, NM_001407904.1 and 1 more transcripts); c.971-16A>G (NM_001408414.1, NM_001408415.1, NM_001408412.1); c.971-13A>G (NM_001408411.1); c.4280-13A>G (NM_001407655.1, NM_001407654.1, NM_001407653.1); c.4019-13A>G (NM_001407956.1); c.4145-13A>G (NM_001407897.1, NM_001407908.1, NM_001407898.1 and 8 more transcripts); c.4025-13A>G (NM_001407947.1, NM_001407949.1, NM_001407946.1 and 1 more transcripts); and 98 more.
Identifiers: ClinVar variation 681736 (VCV000681736.7), dbSNP rs1567780008, ClinGen allele CA915950048.
Genomic context (GRCh38, chr17:43,076,627, plus strand): 5'-GATTCTGGCTTATAGGGTATTCACTACTTTTCTGTGAAGTTAATACTGCTTTAAATGGAA[T>C]GAGAAAACAAATCTACTTTACTGCTTTGTTCTGATAGTGATAATTCAGGTTAGAATACTG-3'

ClinVar aggregate classification (germline): Likely benign. Review status: criteria provided, multiple submitters, no conflicts (2 of 4 stars). 3 submissions from 3 submitters: Likely benign (3). Last evaluated 2024-12-11.

Conditions:
Hereditary breast ovarian cancer syndrome. Also called: BRCA1- and BRCA2-Associated Hereditary Breast and Ovarian Cancer; Hereditary breast and/or ovarian cancer syndrome; Hereditary breast and ovarian cancer syndrome (HBOC); Breast and ovarian cancer; Hereditary breast and ovarian cancer; Hereditary breast and ovarian cancer syndrome. Identifiers: Orphanet 145, MedGen C0677776, MeSH D061325, MONDO:0003582. Disease mechanism: loss of function.

Allele frequency attached by ClinVar (database versions not stated): gnomAD exomes below 0.00001.
gnomAD v4.1: 1 of 1,612,460 alleles (0.000062%); highest among the groups gnomAD compares: Non-Finnish European, 0.000085%; no homozygotes.

Submissions (3):

Women's Health and Genetics/Laboratory Corporation of America, LabCorp
Classification: Likely benign. Last evaluated: 2024-12-11. Review status: criteria provided, single submitter. Criteria: LabCorp Variant Classification Summary - May 2015. Collection method: clinical testing. Allele origin: germline.

Labcorp Genetics (formerly Invitae), Labcorp
Classification: Likely benign for Hereditary breast ovarian cancer syndrome. Last evaluated: 2024-01-18. Review status: criteria provided, single submitter. Criteria: Invitae Variant Classification Sherloc (09022015). Collection method: clinical testing. Allele origin: germline.

GeneDx
Classification: Likely benign. Last evaluated: 2018-04-03. Review status: criteria provided, single submitter. Criteria: GeneDx Variant Classification (06012015). Collection method: clinical testing. Allele origin: germline. Affected: yes.
Comment: This variant is considered likely benign or benign based on one or more of the following criteria: it is a conservative change, it occurs at a poorly conserved position in the protein, it is predicted to be benign by multiple in silico algorithms, and/or has population frequency not consistent with disease.